The following is an entry in ClinVar:

NM_033225.6(CSMD1):c.2157T>G (p.Val719=)

Gene: CSMD1 (CUB and Sushi multiple domains 1; minus strand). Cytogenetic location: 8p23.2.
Variant type: single nucleotide variant.
Coding change: c.2157T>G on transcript NM_033225.6 (MANE Select); coding-DNA position 2157, T replaced by G.
Protein change: p.Val719=; no amino-acid change (valine 719 retained).
Molecular consequence: synonymous variant.
Genome position (GRCh38, 1-based): chr8:3,406,136, A>C on the plus strand (T>G on the coding strand, the complement: CSMD1 is on the minus strand). VCF-style: chr8-3406136-A-C. GRCh37 (hg19) VCF-style: chr8-3263658-A-C.
Identifiers: ClinVar variation 3049356 (VCV003049356.2), dbSNP rs753099228, ClinGen allele CA4608521.

ClinVar aggregate classification (germline): Likely benign (0 of 4 stars; one submission).

Conditions:
CSMD1-related disorder. Also called: CSMD1-related condition.

Allele frequency attached by ClinVar (database versions not stated): gnomAD 0.00003; gnomAD exomes 0.00003; TOPMed 0.00003; ExAC 0.00005.
gnomAD v4.1: 22 of 1,613,760 alleles (0.0014%); highest among the groups gnomAD compares: South Asian, 0.0022%; no homozygotes.

Submission:

PreventionGenetics, part of Exact Sciences
Classification: Likely benign for CSMD1-related condition. Last evaluated: 2019-07-10. Review status: no assertion criteria provided. Collection method: clinical testing. Allele origin: germline.
Comment: This variant is classified as likely benign based on ACMG/AMP sequence variant interpretation guidelines (Richards et al. 2015 PMID: 25741868, with internal and published modifications).